The following is an entry in ClinVar:

NM_001009944.3(PKD1):c.3141_3158dup (p.Ala1052_Phe1053insLeuAlaValGluValAla)

Gene: PKD1 (polycystin 1, transient receptor potential channel interacting; minus strand). Cytogenetic location: 16p13.3.
Variant type: Duplication.
Coding change: c.3141_3158dup on transcript NM_001009944.3 (MANE Select); coding-DNA positions 3141 to 3158, 18 bases duplicated (GGCCGTGGAGGTGGCCTT).
Protein change: p.Ala1052_Phe1053insLeuAlaValGluValAla.
Molecular consequence: inframe insertion.
Genome position (GRCh38, 1-based): chr16:2,112,791-2,112,808, AAGGCCACCTCCACGGCC duplicated on the plus strand (GGCCGTGGAGGTGGCCTT on the coding strand, the reverse complement: PKD1 is on the minus strand). VCF-style (leftmost placement, unchanged base first): chr16-2112790-G-GAAGGCCACCTCCACGGCC. GRCh37 (hg19) VCF-style: chr16-2162791-G-GAAGGCCACCTCCACGGCC.
Other names: c.3141_3158dup, p.Ala1052_Phe1053insLeuAlaValGluValAla (NM_000296.4).
Identifiers: ClinVar variation 3383232 (VCV003383232.1).

ClinVar aggregate classification (germline): Uncertain significance (1 of 4 stars; one submission).

Conditions:
Polycystic kidney disease, adult type (PKD1). Also called: POLYCYSTIC KIDNEY DISEASE, ADULT, TYPE I; Polycystic Kidney Disease 1, Autosomal Dominant; Polycystic kidney disease 1; Polycystic kidney disease 1, severe; Polycystic Kidney, Autosomal Dominant; POLYCYSTIC KIDNEY DISEASE 1 WITH OR WITHOUT POLYCYSTIC LIVER DISEASE. Identifiers: MedGen C3149841, MONDO:0008263, OMIM 173900.

Submission:

MVZ Medizinische Genetik Mainz
Classification: Uncertain significance for Polycystic kidney disease, adult type. Last evaluated: 2024-10-17. Review status: criteria provided, single submitter. Criteria: UK Practice Guidelines For Variant Classification V4 01 2020. Collection method: clinical testing. Allele origin: germline. Inheritance: Autosomal dominant inheritance. Affected: yes. Observed: 1 variant allele.
Comment: ACMG Criteria: PM4,PM2_SUP,PP4